The following is an entry in ClinVar:

ClinVar aggregate classification (germline): Uncertain significance. Review status: criteria provided, multiple submitters, no conflicts (2 of 4 stars). 2 submissions from 2 submitters: Uncertain significance (2). Last evaluated 2026-01-12.

Conditions:
OTOG-related disorder. Also called: OTOG-related condition.

gnomAD v4.1: 54 of 1,550,592 alleles (0.0035%); highest among the groups gnomAD compares: African/African-American, 0.061%; no homozygotes.

Submissions (2):

PreventionGenetics, part of Exact Sciences
Classification: Uncertain significance for OTOG-related condition. Last evaluated: 2026-01-12. Review status: criteria provided, single submitter. Criteria: ACMG Guidelines, 2015. Collection method: clinical testing. Allele origin: germline.
Comment: The OTOG c.7790A>G variant is predicted to result in the amino acid substitution p.His2597Arg. To our knowledge, this variant has not been reported in the literature. This variant is reported in 0.084% of alleles in individuals of African descent in gnomAD. Although we suspect that this variant may be benign, at this time, the clinical significance of this variant is uncertain due to the absence of conclusive functional and genetic evidence.

Blueprint Genetics
Classification: Uncertain significance. Last evaluated: 2024-09-13. Review status: criteria provided, single submitter. Criteria: ACMG Guidelines, 2015. Collection method: clinical testing. Allele origin: germline.

NM_001292063.2(OTOG):c.7754A>G (p.His2585Arg)

Gene: OTOG (otogelin; plus strand). Cytogenetic location: 11p15.1.
Variant type: single nucleotide variant.
Coding change: c.7754A>G on transcript NM_001292063.2 (MANE Select); coding-DNA position 7754, A replaced by G.
Protein change: p.His2585Arg; replaces histidine 2585 with arginine.
Molecular consequence: missense variant.
Genome position (GRCh38, 1-based): chr11:17,635,670, A>G. VCF-style: chr11-17635670-A-G. GRCh37 (hg19) VCF-style: chr11-17657217-A-G.
Other names: c.7790A>G, p.His2597Arg (NM_001277269.2); c.7790A>G (NM_001277269.1); short protein forms H2585R, H2597R.
Identifiers: ClinVar variation 4910949 (VCV004910949.2).